The following is an entry in ClinVar:

ClinVar aggregate classification (germline): Uncertain significance (1 of 4 stars; one submission).

Allele frequency attached by ClinVar (database versions not stated): TOPMed below 0.00001; ExAC 0.00001.

Submission:

Labcorp Genetics (formerly Invitae), Labcorp
Classification: Uncertain significance. Last evaluated: 2022-07-25. Review status: criteria provided, single submitter. Criteria: Invitae Variant Classification Sherloc (09022015). Collection method: clinical testing. Allele origin: germline.
Comment: This sequence change replaces methionine, which is neutral and non-polar, with threonine, which is neutral and polar, at codon 375 of the CANT1 protein (p.Met375Thr). This variant is not present in population databases (gnomAD no frequency). This variant has not been reported in the literature in individuals affected with CANT1-related conditions. ClinVar contains an entry for this variant (Variation ID: 1512815). Algorithms developed to predict the effect of missense changes on protein structure and function output the following: SIFT: "Tolerated"; PolyPhen-2: "Benign"; Align-GVGD: "Class C0". The threonine amino acid residue is found in multiple mammalian species, which suggests that this missense change does not adversely affect protein function. In summary, the available evidence is currently insufficient to determine the role of this variant in disease. Therefore, it has been classified as a Variant of Uncertain Significance.

NM_001159773.2(CANT1):c.1124T>C (p.Met375Thr)

Gene: CANT1 (calcium activated nucleotidase 1; minus strand). Cytogenetic location: 17q25.3.
Variant type: single nucleotide variant.
Coding change: c.1124T>C on transcript NM_001159773.2 (MANE Select); coding-DNA position 1124, T replaced by C.
Protein change: p.Met375Thr; replaces methionine 375 with threonine.
Molecular consequence: missense variant.
Genome position (GRCh38, 1-based): chr17:78,993,632, A>G on the plus strand (T>C on the coding strand, the complement: CANT1 is on the minus strand). VCF-style: chr17-78993632-A-G. GRCh37 (hg19) VCF-style: chr17-76989714-A-G.
Other names: c.1124T>C, p.Met375Thr (NM_001159772.2, NM_138793.4); short protein forms M375T.
Identifiers: ClinVar variation 1512815 (VCV001512815.5), dbSNP rs757829460, ClinGen allele CA8808509.
Genomic context (GRCh38, chr17:78,993,632, plus strand): 5'-TATTTCACGCTTCCGATCTTGGTCTCCGGCAACAGGAAGCGCCCGTCCAGCGTGAAGGCC[A>G]TGATGTAGGAGGCGACTCTGCCGCTGTCCTCCTCGGATTTGAGGGCCACAATGATCTGGT-3'
Protein context (NP_001153245.1, residues 365-385): EDSGRVASYI[Met375Thr]AFTLDGRFLL